The following is an entry in ClinVar:

ClinVar aggregate classification (germline): Uncertain significance (1 of 4 stars; one submission).

Conditions:
Inborn genetic diseases. Identifiers: MedGen C0950123, MeSH D030342.

gnomAD v4.1: 1 of 1,612,046 alleles (0.000062%); highest among the groups gnomAD compares: Non-Finnish European, 0.000085%; no homozygotes.

Submission:

Ambry Genetics
Classification: Uncertain significance for Inborn genetic diseases. Last evaluated: 2025-06-08. Review status: criteria provided, single submitter. Criteria: Ambry Variant Classification Scheme 2023. Collection method: clinical testing. Allele origin: germline.
Comment: The p.L545V variant (also known as c.1633C>G), located in coding exon 18 of the RTEL1 gene, results from a C to G substitution at nucleotide position 1633. The leucine at codon 545 is replaced by valine, an amino acid with highly similar properties. This amino acid position is conserved. In addition, this alteration is predicted to be tolerated by in silico analysis. Based on the available evidence, the clinical significance of this variant remains unclear.

NM_001283009.2(RTEL1):c.1633C>G (p.Leu545Val)

Genes: RTEL1 (regulator of telomere elongation helicase 1; plus strand), RTEL1-TNFRSF6B (RTEL1-TNFRSF6B readthrough (NMD candidate); plus strand). Cytogenetic location: 20q13.33.
Variant type: single nucleotide variant.
Coding change: c.1633C>G on transcript NM_001283009.2 (MANE Select); coding-DNA position 1633, C replaced by G.
Protein change: p.Leu545Val; replaces leucine 545 with valine.
Molecular consequence: missense variant. On other transcripts: non-coding transcript variant (1).
Genome position (GRCh38, 1-based): chr20:63,688,176, C>G. VCF-style: chr20-63688176-C-G. GRCh37 (hg19) VCF-style: chr20-62319529-C-G.
Other names: c.964C>G, p.Leu322Val (NM_001283010.1); c.1633C>G, p.Leu545Val (NM_016434.4); c.1705C>G, p.Leu569Val (NM_032957.5); short protein forms L322V, L545V, L569V.
Identifiers: ClinVar variation 3948479 (VCV003948479.1).